The following is an entry in ClinVar:

NM_000065.5(C6):c.486T>G (p.Asn162Lys)

Gene: C6 (complement C6; minus strand). Cytogenetic location: 5p13.1.
Variant type: single nucleotide variant.
Coding change: c.486T>G on transcript NM_000065.5 (MANE Select); coding-DNA position 486, T replaced by G.
Protein change: p.Asn162Lys; replaces asparagine 162 with lysine.
Molecular consequence: missense variant.
Genome position (GRCh38, 1-based): chr5:41,195,893, A>C on the plus strand (T>G on the coding strand, the complement: C6 is on the minus strand). VCF-style: chr5-41195893-A-C. GRCh37 (hg19) VCF-style: chr5-41195995-A-C.
Other names: c.486T>G, p.Asn162Lys (NM_001115131.4); short protein forms N162K.
Identifiers: ClinVar variation 1502902 (VCV001502902.3), dbSNP rs1205673503, ClinGen allele CA359604018.
Genomic context (GRCh38, chr5:41,195,893, plus strand): 5'-CCGTGTGCATACTGCCTTTGTCCTCCCACAGTCCCTTTCATCTGAATTGTCTCCACAGTC[A>C]TTTTCTCCATTGCATTCTAACTTTCTGGCAATGCAGCGGCCTAGTCAAGAAAAGCAAACA-3'
Protein context (NP_000056.2, residues 152-172): IARKLECNGE[Asn162Lys]DCGDNSDERD

ClinVar aggregate classification (germline): Uncertain significance (1 of 4 stars; one submission).

Allele frequency attached by ClinVar (database versions not stated): gnomAD exomes below 0.00001.
gnomAD v4.1: 1 of 1,613,960 alleles (0.000062%); highest among the groups gnomAD compares: Admixed American, 0.0017%; no homozygotes.

Submission:

Labcorp Genetics (formerly Invitae), Labcorp
Classification: Uncertain significance. Last evaluated: 2021-12-15. Review status: criteria provided, single submitter. Criteria: Invitae Variant Classification Sherloc (09022015). Collection method: clinical testing. Allele origin: germline.
Comment: This sequence change replaces asparagine, which is neutral and polar, with lysine, which is basic and polar, at codon 162 of the C6 protein (p.Asn162Lys). This variant is present in population databases (no rsID available, gnomAD 0.003%). This variant has not been reported in the literature in individuals affected with C6-related conditions. Algorithms developed to predict the effect of missense changes on protein structure and function are either unavailable or do not agree on the potential impact of this missense change (SIFT: "Deleterious"; PolyPhen-2: "Probably Damaging"; Align-GVGD: "Class C0"). In summary, the available evidence is currently insufficient to determine the role of this variant in disease. Therefore, it has been classified as a Variant of Uncertain Significance.